The following is an entry in ClinVar:

ClinVar aggregate classification (germline): Uncertain significance (1 of 4 stars; one submission).

Submission:

CeGaT Center for Human Genetics Tuebingen
Classification: Uncertain significance. Last evaluated: 2025-01-01. Review status: criteria provided, single submitter. Criteria: CeGaT Center For Human Genetics Tuebingen Variant Classification Criteria Version 2. Collection method: clinical testing. Allele origin: germline. Affected: yes. Observed: 1 variant allele.
Comment: ZNF532: PM2, PP2

NM_001375912.1(ZNF532):c.2767C>T (p.His923Tyr)

Gene: ZNF532 (zinc finger protein 532; plus strand). Cytogenetic location: 18q21.32.
Variant type: single nucleotide variant.
Coding change: c.2767C>T on transcript NM_001375912.1 (MANE Select); coding-DNA position 2767, C replaced by T.
Protein change: p.His923Tyr; replaces histidine 923 with tyrosine.
Molecular consequence: missense variant. On other transcripts: non-coding transcript variant (2), intron variant (4).
Genome position (GRCh38, 1-based): chr18:58,948,128, C>T. VCF-style: chr18-58948128-C-T. GRCh37 (hg19) VCF-style: chr18-56615360-C-T.
Other names: c.2767C>T, p.His923Tyr (NM_001318726.2, NM_001318727.2, NM_001318728.2 and 9 more transcripts); c.2590C>T, p.His864Tyr (NM_001353533.2, NM_001353534.2, NM_001375913.1); c.2347-5390C>T (NM_001353535.2, NM_001353536.2, NM_001353537.2); c.2346+27495C>T (NM_001353538.2); short protein forms H864Y, H923Y.
Identifiers: ClinVar variation 3772325 (VCV003772325.13).
Genomic context (GRCh38, chr18:58,948,128, plus strand): 5'-ATAATATATAAGTGTTCCATGTGCGACACTGTGTTCACCCTGCAAACCTTGCTGTATCGC[C>T]ACTTTGACCAACACATTGAAAACCAGAAGGTGTCTGTTTTCAAGTGTCCAGACTGTTCTC-3'
Protein context (NP_001362841.1, residues 913-933): VFTLQTLLYR[His923Tyr]FDQHIENQKV